The following is an entry in ClinVar:

NM_001166114.2(PNPLA6):c.919G>C (p.Val307Leu)

Gene: PNPLA6 (patatin like domain 6, lysophospholipase; plus strand). Cytogenetic location: 19p13.2.
Variant type: single nucleotide variant.
Coding change: c.919G>C on transcript NM_001166114.2 (MANE Select); coding-DNA position 919, G replaced by C.
Protein change: p.Val307Leu; replaces valine 307 with leucine.
Molecular consequence: missense variant.
Genome position (GRCh38, 1-based): chr19:7,541,046, G>C. VCF-style: chr19-7541046-G-C. GRCh37 (hg19) VCF-style: chr19-7605932-G-C.
Other names: c.946G>C, p.Val316Leu (NM_001166111.2); c.802G>C, p.Val268Leu (NM_001166112.2, NM_001166113.1, NM_006702.5); short protein forms V307L, V268L, V316L.
Identifiers: ClinVar variation 1950501 (VCV001950501.5), dbSNP rs934487299, ClinGen allele CA403107237.

ClinVar aggregate classification (germline): Uncertain significance (1 of 4 stars; one submission).

Conditions:
Hereditary spastic paraplegia 39 (SPG39). Also called: SPASTIC PARAPLEGIA 39, AUTOSOMAL RECESSIVE; Spastic Paraplegia Type 39 (SPG39). Identifiers: Orphanet 139480, MedGen C2677586, MONDO:0012787, OMIM 612020.

Submission:

Labcorp Genetics (formerly Invitae), Labcorp
Classification: Uncertain significance for Hereditary spastic paraplegia 39. Last evaluated: 2022-08-16. Review status: criteria provided, single submitter. Criteria: Invitae Variant Classification Sherloc (09022015). Collection method: clinical testing. Allele origin: germline.
Comment: This sequence change replaces valine, which is neutral and non-polar, with leucine, which is neutral and non-polar, at codon 268 of the PNPLA6 protein (p.Val268Leu). This variant is not present in population databases (gnomAD no frequency). This variant has not been reported in the literature in individuals affected with PNPLA6-related conditions. Algorithms developed to predict the effect of missense changes on protein structure and function are either unavailable or do not agree on the potential impact of this missense change (SIFT: "Tolerated"; PolyPhen-2: "Possibly Damaging"; Align-GVGD: "Class C0"). In summary, the available evidence is currently insufficient to determine the role of this variant in disease. Therefore, it has been classified as a Variant of Uncertain Significance.